The following is an entry in ClinVar:

ClinVar aggregate classification (germline): Likely benign (1 of 4 stars; one submission).

Allele frequency attached by ClinVar (database versions not stated): TOPMed 0.00002; ExAC 0.00003; gnomAD 0.00003.
gnomAD v4.1: 41 of 1,614,100 alleles (0.0025%); highest among the groups gnomAD compares: Admixed American, 0.01%; no homozygotes.

Submission:

CeGaT Center for Human Genetics Tuebingen
Classification: Likely benign. Last evaluated: 2022-10-01. Review status: criteria provided, single submitter. Criteria: CeGaT Center For Human Genetics Tuebingen Variant Classification Criteria Version 2. Collection method: clinical testing. Allele origin: germline. Affected: yes. Observed: 1 variant allele.
Comment: CTNNBL1: BP4, BP7

NM_030877.5(CTNNBL1):c.1653C>T (p.Asn551=)

Gene: CTNNBL1 (catenin beta like 1; plus strand). Cytogenetic location: 20q11.23.
Variant type: single nucleotide variant.
Coding change: c.1653C>T on transcript NM_030877.5 (MANE Select); coding-DNA position 1653, C replaced by T.
Protein change: p.Asn551=; no amino-acid change (asparagine 551 retained).
Molecular consequence: synonymous variant.
Genome position (GRCh38, 1-based): chr20:37,871,974, C>T. VCF-style: chr20-37871974-C-T. GRCh37 (hg19) VCF-style: chr20-36500376-C-T.
Other names: c.1572C>T, p.Asn524= (NM_001281495.2).
Identifiers: ClinVar variation 2652308 (VCV002652308.24), dbSNP rs749426178, ClinGen allele CA9848778.
Genomic context (GRCh38, chr20:37,871,974, plus strand): 5'-TGTCCCCCTAGAGTATGCAGAGAACATCGGGGACGGCCGGAGCCCGGAGTTCCGGGAGAA[C>T]GAGCAAAAGCGCATCCTGGGCTTGCTGGAGAACTTCTAGAGGCACCTTGGCCCTGCGCAT-3'
Protein context (NP_110517.2, residues 541-561): GDGRSPEFRE[Asn551=]EQKRILGLLE